The following is an entry in ClinVar:

NC_000017.10:g.(?_66303635)_(66596807_?)dup

Genes: ARSG (arylsulfatase G; plus strand), FAM20A (FAM20A golgi associated secretory pathway pseudokinase; minus strand), PRKAR1A (protein kinase cAMP-dependent type I regulatory subunit alpha; plus strand), WIPI1 (WD repeat domain, phosphoinositide interacting 1; minus strand). Cytogenetic location: 17q24.2.
Variant type: Duplication.
Identifiers: ClinVar variation 1411885 (VCV001411885.3).

ClinVar aggregate classification (germline): Uncertain significance (1 of 4 stars; one submission).

Submission:

Labcorp Genetics (formerly Invitae), Labcorp
Classification: Uncertain significance. Last evaluated: 2021-02-15. Review status: criteria provided, single submitter. Criteria: Invitae Variant Classification Sherloc (09022015). Collection method: clinical testing. Allele origin: germline.
Comment: A copy number gain of the genomic region encompassing the full coding sequence of the ARSG gene has been identified. The boundaries of this event are unknown as they extend beyond the assayed region for this gene and therefore may encompass additional genes. As the precise location of this event is unknown, it may be in tandem or it may be located elsewhere in the genome. This variant has not been reported in the literature in individuals with ARSG-related conditions. In summary, the available evidence is currently insufficient to determine the role of this variant in disease. Therefore, it has been classified as a Variant of Uncertain Significance.